The following is an entry in ClinVar:

ClinVar aggregate classification (germline): Conflicting classifications of pathogenicity. Review status: criteria provided, conflicting classifications (1 of 4 stars). 2 submissions from 2 submitters: Pathogenic (1); Likely benign (1). Last evaluated 2026-04-01.

Conditions:
Primary ciliary dyskinesia. Also called: Ciliary dyskinesia. Identifiers: Orphanet 244, MedGen C0008780, MONDO:0016575, HP:0012265.

Submissions (2):

Department of Human Genetics, Hannover Medical School
Classification: Pathogenic for Primary Ciliary Dyskinesia. Last evaluated: 2026-04-01. Review status: criteria provided, single submitter. Criteria: ACMG Guidelines, 2015. Collection method: research. Allele origin: germline. Affected: no.
Comment: Classification performed by HerediClassify using the following criteria:['PM2_supporting: Variant occures does not occur as homozygous in gnomAD.', 'PVS1_protein_very_strong: Transcript ENST00000312428 is predicted to undergo NMD.', "PP4_supporting: The PICADAR socre of 5.0 exceeds threshold of 5 achieving 'supporting' evidence strength."]

Labcorp Genetics (formerly Invitae), Labcorp
Classification: Likely benign. Last evaluated: 2019-12-31. Review status: criteria provided, single submitter. Criteria: Invitae Variant Classification Sherloc (09022015). Collection method: clinical testing. Allele origin: germline.

NM_018897.3(DNAH7):c.10453del (p.Val3485fs)

Gene: DNAH7 (dynein axonemal heavy chain 7; minus strand). Cytogenetic location: 2q32.3.
Variant type: Deletion.
Coding change: c.10453del on transcript NM_018897.3 (MANE Select); coding-DNA position 10453, one base deleted (G; older notation c.10453delG).
Protein change: p.Val3485fs; shifts the reading frame from valine 3485.
Molecular consequence: frameshift variant.
Genome position (GRCh38, 1-based): chr2:195,796,638, C deleted on the plus strand (G on the coding strand, the reverse complement: DNAH7 is on the minus strand); the first of 3 consecutive C bases (chr2:195,796,638-195,796,640); deleting any one gives the same sequence. VCF-style (leftmost placement, unchanged base first): chr2-195796637-AC-A. GRCh37 (hg19) VCF-style: chr2-196661361-AC-A.
Other names: short protein forms V3485fs.
Identifiers: ClinVar variation 729739 (VCV000729739.5), dbSNP rs534989756, ClinGen allele CA2034052.